The following is an entry in ClinVar:

NM_024685.4(BBS10):c.1604A>T (p.Asp535Val)

Gene: BBS10 (Bardet-Biedl syndrome 10; minus strand). Cytogenetic location: 12q21.2.
Variant type: single nucleotide variant.
Coding change: c.1604A>T on transcript NM_024685.4 (MANE Select); coding-DNA position 1604, A replaced by T.
Protein change: p.Asp535Val; replaces aspartic acid 535 with valine.
Molecular consequence: missense variant.
Genome position (GRCh38, 1-based): chr12:76,346,381, T>A on the plus strand (A>T on the coding strand, the complement: BBS10 is on the minus strand). VCF-style: chr12-76346381-T-A. GRCh37 (hg19) VCF-style: chr12-76740161-T-A.
Other names: short protein forms D535V.
Identifiers: ClinVar variation 1012042 (VCV001012042.8), dbSNP rs1951758028, ClinGen allele CA385810819.

ClinVar aggregate classification (germline): Uncertain significance (1 of 4 stars; one submission).

Conditions:
Bardet-Biedl syndrome (BBS). Identifiers: Orphanet 110, MedGen C0752166, MONDO:0015229.

Submission:

Labcorp Genetics (formerly Invitae), Labcorp
Classification: Uncertain significance for Bardet-Biedl syndrome. Last evaluated: 2022-07-19. Review status: criteria provided, single submitter. Criteria: Invitae Variant Classification Sherloc (09022015). Collection method: clinical testing. Allele origin: germline.
Comment: In summary, the available evidence is currently insufficient to determine the role of this variant in disease. Therefore, it has been classified as a Variant of Uncertain Significance. Algorithms developed to predict the effect of missense changes on protein structure and function (SIFT, PolyPhen-2, Align-GVGD) all suggest that this variant is likely to be tolerated. ClinVar contains an entry for this variant (Variation ID: 1012042). This variant has not been reported in the literature in individuals affected with BBS10-related conditions. This variant is not present in population databases (gnomAD no frequency). This sequence change replaces aspartic acid, which is acidic and polar, with valine, which is neutral and non-polar, at codon 535 of the BBS10 protein (p.Asp535Val).